The following is an entry in ClinVar:

NM_020806.5(GPHN):c.730-8T>G

Gene: GPHN (gephyrin; plus strand). Cytogenetic location: 14q23.3.
Variant type: single nucleotide variant.
Coding change: c.730-8T>G on transcript NM_020806.5 (MANE Select); 8 bases into the intron before coding-DNA position 730, T replaced by G.
Molecular consequence: intron variant.
Genome position (GRCh38, 1-based): chr14:66,924,186, T>G. VCF-style: chr14-66924186-T-G. GRCh37 (hg19) VCF-style: chr14-67390903-T-G.
Other names: c.768+1248T>G (NM_001377514.1, NM_001377519.1); c.729+1248T>G (NM_001377515.1, NM_001377516.1, NM_001377518.1 and 2 more transcripts).
Identifiers: ClinVar variation 3662677 (VCV003662677.2).

ClinVar aggregate classification (germline): Uncertain significance (1 of 4 stars; one submission).

Conditions:
Sulfite oxidase deficiency due to molybdenum cofactor deficiency type C. Also called: Molybdenum cofactor deficiency C; Molybdenum cofactor deficiency, complementation group C. Identifiers: Orphanet 308400, Orphanet 833, MedGen C1854990, MONDO:0014212, OMIM 615501.

Submission:

Labcorp Genetics (formerly Invitae), Labcorp
Classification: Uncertain significance for Sulfite oxidase deficiency due to molybdenum cofactor deficiency type C. Last evaluated: 2024-12-17. Review status: criteria provided, single submitter. Criteria: Invitae Variant Classification Sherloc (09022015). Collection method: clinical testing. Allele origin: germline.
Comment: This sequence change falls in intron 7 of the GPHN gene. It does not directly change the encoded amino acid sequence of the GPHN protein. This variant is not present in population databases (gnomAD no frequency). This variant has not been reported in the literature in individuals affected with GPHN-related conditions. Algorithms developed to predict the effect of sequence changes on RNA splicing suggest that this variant may disrupt the consensus splice site. In summary, the available evidence is currently insufficient to determine the role of this variant in disease. Therefore, it has been classified as a Variant of Uncertain Significance.